The following is an entry in ClinVar:

ClinVar aggregate classification (germline): Benign. Review status: reviewed by expert panel (3 of 4 stars). 2 submissions from 2 submitters: Benign (1). 1 of the submissions does not count toward it. Last evaluated 2024-06-24.

Conditions:
Hereditary thrombocytopenia and hematologic cancer predisposition syndrome. Identifiers: Orphanet 71290, MedGen CN281654, MONDO:0011071.

Allele frequency attached by ClinVar (database versions not stated): gnomAD 0.02782 and 0.02871; TOPMed 0.03219; 1000 Genomes Project 0.04034; 1000 Genomes Project 30x 0.04216.
gnomAD v4.1: 4,168 of 151,550 alleles (2.8%); highest among the groups gnomAD compares: African/African-American, 8.5%; 158 homozygotes.

Submissions (2):

ClinGen Myeloid Malignancy Variant Curation Expert Panel
Classification: Benign for Hereditary thrombocytopenia and hematologic cancer predisposition syndrome. Last evaluated: 2024-06-24. Review status: reviewed by expert panel. Criteria: ClinGen MyeloMalig ACMG Specifications v2. Collection method: curation. Allele origin: germline. Inheritance: Autosomal dominant inheritance.
Comment: The NM_001754.5(RUNX1):c.968-269G>A variant is a deep intronic variant that is not predicted by SpliceAI to impact splicing (BP4). The variant's highest minor allele frequency (MAF) of 0.08447(8.447%, 731/8654 alleles) in the African/African American subpopulation of the gnomADv2.1.1 cohort is ≥ 0.0015 (0.15%) (BP1). Additionally, this variant is detected in a homozygous state in 28 individuals in a population database (gnomADv2.1.1) (BP2). This deep intronic variant is not well conserved with a phyloP100way score of -0.476 (BP7 ≤2.0). It has not been reported in individuals meeting at least one of the RUNX1 phenotypic criteria. In summary, the clinical significance of this variant is Benign. ACMG/AMP criteria applied, as specified by the Myeloid Malignancy Variant Curation Expert Panel for RUNX1: BP1, BP2, BP4, BP7.

GeneDx
Classification: Benign. Last evaluated: 2019-04-07. Review status: criteria provided, single submitter. Criteria: GeneDx Variant Classification Process June 2021. Collection method: clinical testing. Allele origin: germline. Affected: yes. Not counted in ClinVar's aggregate classification.

NM_001754.5(RUNX1):c.968-269G>A

Gene: RUNX1 (RUNX family transcription factor 1; minus strand). Cytogenetic location: 21q22.12.
Variant type: single nucleotide variant.
Coding change: c.968-269G>A on transcript NM_001754.5 (MANE Select); 269 bases into the intron before coding-DNA position 968, G replaced by A.
Molecular consequence: intron variant.
Genome position (GRCh38, 1-based): chr21:34,792,879, C>T on the plus strand (G>A on the coding strand, the complement: RUNX1 is on the minus strand). VCF-style: chr21-34792879-C-T. GRCh37 (hg19) VCF-style: chr21-36165176-C-T.
Other names: c.887-269G>A (NM_001001890.3).
Identifiers: ClinVar variation 1243080 (VCV001243080.3), dbSNP rs73362834, ClinGen allele CA320251893.